The following is an entry in ClinVar:

NM_207361.6(FREM2):c.2600C>T (p.Thr867Ile)

Gene: FREM2 (FRAS1 related extracellular matrix 2; plus strand). Cytogenetic location: 13q13.3.
Variant type: single nucleotide variant.
Coding change: c.2600C>T on transcript NM_207361.6 (MANE Select); coding-DNA position 2600, C replaced by T.
Protein change: p.Thr867Ile; replaces threonine 867 with isoleucine.
Molecular consequence: missense variant.
Genome position (GRCh38, 1-based): chr13:38,689,944, C>T. VCF-style: chr13-38689944-C-T. GRCh37 (hg19) VCF-style: chr13-39264081-C-T.
Other names: short protein forms T867I.
Identifiers: ClinVar variation 705796 (VCV000705796.16), dbSNP rs61995710, ClinGen allele CA6954638.

ClinVar aggregate classification (germline): Benign/Likely benign. Review status: criteria provided, multiple submitters, no conflicts (2 of 4 stars). 4 submissions from 4 submitters: Benign (2); Likely benign (1). 1 of the submissions does not count toward it. Last evaluated 2026-01-31.

Conditions:
FREM2-related disorder. Also called: FREM2-related condition.
Fraser syndrome 2 (FRASRS2). Identifiers: MedGen C4540036, MONDO:0054738, OMIM 617666.
Isolated cryptophthalmia. Also called: Cryptophthalmos, unilateral or bilateral, isolated; ANKYLOBLEPHARON, SIMPLE. Identifiers: Orphanet 91396, MedGen C1852453, MONDO:0007410, OMIM 123570.

Allele frequency attached by ClinVar (database versions not stated): 1000 Genomes Project 0.00459; 1000 Genomes Project 30x 0.00468; gnomAD 0.00481 and 0.00520; TOPMed 0.00519; ESP Exome Variant Server 0.00623.
gnomAD v4.1: 1,523 of 1,614,170 alleles (0.094%); highest among the groups gnomAD compares: African/African-American, 1.8%; 15 homozygotes.

Submissions (4):

Labcorp Genetics (formerly Invitae), Labcorp
Classification: Benign. Last evaluated: 2026-01-31. Review status: criteria provided, single submitter. Criteria: Invitae Variant Classification Sherloc (09022015). Collection method: clinical testing. Allele origin: germline.

Fulgent Genetics
Classification: Likely benign for Isolated cryptophthalmia; Fraser syndrome 2. Last evaluated: 2022-01-25. Review status: criteria provided, single submitter. Criteria: ACMG Guidelines, 2015. Collection method: clinical testing. Allele origin: unknown.

Illumina Laboratory Services, Illumina
Classification: Benign for Fraser syndrome 2. Last evaluated: 2018-01-13. Review status: criteria provided, single submitter. Criteria: ICSL Variant Classification Criteria 13 December 2019. Collection method: clinical testing. Allele origin: germline.
Comment: This variant was observed in the ICSL laboratory as part of a predisposition screen in an ostensibly healthy population. It had not been previously curated by ICSL or reported in the Human Gene Mutation Database (HGMD: prior to June 1st, 2018), and was therefore a candidate for classification through an automated scoring system. Utilizing variant allele frequency, disease prevalence and penetrance estimates, and inheritance mode, an automated score was calculated to assess if this variant is too frequent to cause the disease. Based on the score and internal cut-off values, a variant classified as benign is not then subjected to further curation. The score for this variant resulted in a classification of benign for this disease.

PreventionGenetics, part of Exact Sciences
Classification: Benign for FREM2-related condition. Last evaluated: 2019-07-02. Review status: no assertion criteria provided. Collection method: clinical testing. Allele origin: germline. Not counted in ClinVar's aggregate classification.
Comment: This variant is classified as benign based on ACMG/AMP sequence variant interpretation guidelines (Richards et al. 2015 PMID: 25741868, with internal and published modifications).